The following is an entry in ClinVar:

NM_005483.3(CHAF1A):c.58G>A (p.Asp20Asn)

Gene: CHAF1A (chromatin assembly factor 1 subunit A; plus strand). Cytogenetic location: 19p13.3.
Variant type: single nucleotide variant.
Coding change: c.58G>A on transcript NM_005483.3 (MANE Select); coding-DNA position 58, G replaced by A.
Protein change: p.Asp20Asn; replaces aspartic acid 20 with asparagine.
Molecular consequence: missense variant.
Genome position (GRCh38, 1-based): chr19:4,405,917, G>A. VCF-style: chr19-4405917-G-A. GRCh37 (hg19) VCF-style: chr19-4405914-G-A.
Other names: short protein forms D20N.
Identifiers: ClinVar variation 5008018 (VCV005008018.1).

ClinVar aggregate classification (germline): Uncertain significance (1 of 4 stars; one submission).

Submission:

GeneDx
Classification: Uncertain significance. Last evaluated: 2026-02-12. Review status: criteria provided, single submitter. Criteria: GeneDx Variant Classification Process June 2021. Collection method: clinical testing. Allele origin: germline.
Comment: Not observed at significant frequency in large population cohorts (gnomAD); In silico analysis suggests that this missense variant does not alter protein structure/function; Has not been previously published as pathogenic or benign to our knowledge